The following is an entry in ClinVar:

NM_001306084.2(CFAP54):c.4430A>T (p.Glu1477Val)

Gene: CFAP54 (cilia and flagella associated protein 54; plus strand). Cytogenetic location: 12q23.1.
Variant type: single nucleotide variant.
Coding change: c.4430A>T on transcript NM_001306084.2 (MANE Select); coding-DNA position 4430, A replaced by T.
Protein change: p.Glu1477Val; replaces glutamic acid 1477 with valine.
Molecular consequence: missense variant.
Genome position (GRCh38, 1-based): chr12:96,644,291, A>T. VCF-style: chr12-96644291-A-T. GRCh37 (hg19) VCF-style: chr12-97038069-A-T.
Other names: c.4430A>T, p.Glu1477Val (NM_001367885.1); short protein forms E1477V.
Identifiers: ClinVar variation 5020156 (VCV005020156.1).
Genomic context (GRCh38, chr12:96,644,291, plus strand): 5'-TGAATCCTCTAATATTAAGTTATGTTAAAAGAAAGAGGTTCCATCGTCTATCACTTGAAG[A>T]GATGCCCTGGAGAGCTCAGATGAACCTGTATCTAGCAGGTGCACACTTTAACCTGGTTTT-3'
Protein context (NP_001293013.1, residues 1467-1487): RKRFHRLSLE[Glu1477Val]MPWRAQMNLY

ClinVar aggregate classification (germline): Uncertain significance (1 of 4 stars; one submission).

gnomAD v4.1: 60 of 1,535,838 alleles (0.0039%); highest among the groups gnomAD compares: Admixed American, 0.024%; no homozygotes.

Submission:

Dasa
Classification: Uncertain significance. Last evaluated: 2026-08-12. Review status: criteria provided, single submitter. Criteria: DASA Assertion Criteria. Collection method: clinical testing. Allele origin: germline.
Comment: NM_001306084.2(CFAP54):c.4430A>T (p.Glu1477Val) is a missense variant that results in the substitution of glutamic acid with valine. This variant is rare in population databases. The currently available literature and clinical evidence are not sufficient to establish a definitive association between this variant and the reported condition. Therefore, this variant is classified as a variant of uncertain significance.